The following is an entry in ClinVar:

ClinVar aggregate classification (germline): Benign/Likely benign. Review status: criteria provided, multiple submitters, no conflicts (2 of 4 stars). 3 submissions from 3 submitters: Benign (1); Likely benign (2). Last evaluated 2024-07-22.

Conditions:
Hereditary cancer-predisposing syndrome. Also called: Neoplastic Syndromes, Hereditary; Tumor predisposition; Hereditary Cancer Syndrome; Hereditary neoplastic syndrome. Identifiers: Orphanet 140162, MedGen C0027672, MeSH D009386, MONDO:0015356.
Familial cancer of breast. Also called: BREAST CANCER, FAMILIAL; hereditary breast carcinoma; Hereditary breast cancer. Identifiers: Orphanet 227535, MedGen C0346153, MONDO:0016419, OMIM 114480. Disease mechanism: loss of function.

Submissions (3):

Myriad Genetics, Inc.
Classification: Benign for Familial cancer of breast. Last evaluated: 2024-07-22. Review status: criteria provided, single submitter. Criteria: Myriad Autosomal Dominant, Autosomal Recessive and X-Linked Classification Criteria (2023). Collection method: clinical testing. Allele origin: unknown.
Comment: This variant is considered benign. This variant is a silent/synonymous amino acid change and it is not expected to impact splicing.

Labcorp Genetics (formerly Invitae), Labcorp
Classification: Likely benign for Familial cancer of breast. Last evaluated: 2020-03-11. Review status: criteria provided, single submitter. Criteria: Invitae Variant Classification Sherloc (09022015). Collection method: clinical testing. Allele origin: germline.

Ambry Genetics
Classification: Likely benign for Hereditary cancer-predisposing syndrome. Last evaluated: 2016-06-20. Review status: criteria provided, single submitter. Criteria: Ambry Variant Classification Scheme 2023. Collection method: clinical testing. Allele origin: germline.

NM_000465.4(BARD1):c.474G>A (p.Val158=)

Gene: BARD1 (BRCA1 associated RING domain 1; minus strand). Cytogenetic location: 2q35.
Variant type: single nucleotide variant.
Coding change: c.474G>A on transcript NM_000465.4 (MANE Select); coding-DNA position 474, G replaced by A.
Protein change: p.Val158=; no amino-acid change (valine 158 retained).
Molecular consequence: synonymous variant. On other transcripts: non-coding transcript variant (2), intron variant (3).
Genome position (GRCh38, 1-based): chr2:214,781,400, C>T on the plus strand (G>A on the coding strand, the complement: BARD1 is on the minus strand). VCF-style: chr2-214781400-C-T. GRCh37 (hg19) VCF-style: chr2-215646124-C-T.
Other names: c.417G>A, p.Val139= (NM_001282543.2); c.158+28012G>A (NM_001282548.2); c.215+15661G>A (NM_001282545.2); c.364+10897G>A (NM_001282549.2).
Identifiers: ClinVar variation 460753 (VCV000460753.15), dbSNP rs1553622657, ClinGen allele CA431135998.